The following is an entry in ClinVar:

NM_013352.4(DSE):c.340G>T (p.Val114Leu)

Gene: DSE (dermatan sulfate epimerase; plus strand). Cytogenetic location: 6q22.1.
Variant type: single nucleotide variant.
Coding change: c.340G>T on transcript NM_013352.4 (MANE Select); coding-DNA position 340, G replaced by T.
Protein change: p.Val114Leu; replaces valine 114 with leucine.
Molecular consequence: missense variant. On other transcripts: 5 prime UTR variant (4), non-coding transcript variant (1).
Genome position (GRCh38, 1-based): chr6:116,399,590, G>T. VCF-style: chr6-116399590-G-T. GRCh37 (hg19) VCF-style: chr6-116720753-G-T.
Other names: c.340G>T, p.Val114Leu (NM_001080976.3, NM_001322937.2, NM_001322938.2 and 3 more transcripts); c.397G>T, p.Val133Leu (NM_001322939.2); c.-218G>T (NM_001322940.2, NM_001322941.2); c.-561G>T (NM_001374520.1); c.-248G>T (NM_001374521.1); short protein forms V114L, V133L.
Identifiers: ClinVar variation 2061108 (VCV002061108.4), dbSNP rs770579971, ClinGen allele CA365534714.

ClinVar aggregate classification (germline): Uncertain significance (1 of 4 stars; one submission).

Conditions:
Ehlers-Danlos syndrome, musculocontractural type 2 (EDSMC2). Identifiers: Orphanet 2953, MedGen C3809845, MONDO:0014236, OMIM 615539.

Submission:

Labcorp Genetics (formerly Invitae), Labcorp
Classification: Uncertain significance for Ehlers-Danlos syndrome, musculocontractural type 2. Last evaluated: 2022-07-05. Review status: criteria provided, single submitter. Criteria: Invitae Variant Classification Sherloc (09022015). Collection method: clinical testing. Allele origin: germline.
Comment: In summary, the available evidence is currently insufficient to determine the role of this variant in disease. Therefore, it has been classified as a Variant of Uncertain Significance. Algorithms developed to predict the effect of missense changes on protein structure and function are either unavailable or do not agree on the potential impact of this missense change (SIFT: "Not Available"; PolyPhen-2: "Benign"; Align-GVGD: "Not Available"). This variant has not been reported in the literature in individuals affected with DSE-related conditions. This variant is not present in population databases (gnomAD no frequency). This sequence change replaces valine, which is neutral and non-polar, with leucine, which is neutral and non-polar, at codon 114 of the DSE protein (p.Val114Leu).